The following is an entry in ClinVar:

NM_183381.3(RNF13):c.742G>A (p.Glu248Lys)

Gene: RNF13 (ring finger protein 13; plus strand). Cytogenetic location: 3q25.1.
Variant type: single nucleotide variant.
Coding change: c.742G>A on transcript NM_183381.3 (MANE Select); coding-DNA position 742, G replaced by A.
Protein change: p.Glu248Lys; replaces glutamic acid 248 with lysine.
Molecular consequence: missense variant. On other transcripts: non-coding transcript variant (1).
Genome position (GRCh38, 1-based): chr3:149,960,097, G>A. VCF-style: chr3-149960097-G-A. GRCh37 (hg19) VCF-style: chr3-149677884-G-A.
Other names: c.742G>A, p.Glu248Lys (NM_001378285.1, NM_001378286.1, NM_007282.4); c.385G>A, p.Glu129Lys (NM_001378287.1, NM_001378288.1, NM_001378289.1 and 2 more transcripts); c.349G>A, p.Glu117Lys (NM_001378291.1); short protein forms E248K, E117K, E129K.
Identifiers: ClinVar variation 3655313 (VCV003655313.2).

ClinVar aggregate classification (germline): Uncertain significance (1 of 4 stars; one submission).

Submission:

Labcorp Genetics (formerly Invitae), Labcorp
Classification: Uncertain significance. Last evaluated: 2025-10-02. Review status: criteria provided, single submitter. Criteria: Invitae Variant Classification Sherloc (09022015). Collection method: clinical testing. Allele origin: germline.
Comment: This sequence change replaces glutamic acid, which is acidic and polar, with lysine, which is basic and polar, at codon 248 of the RNF13 protein (p.Glu248Lys). This variant is not present in population databases (gnomAD no frequency). This variant has not been reported in the literature in individuals affected with RNF13-related conditions. ClinVar contains an entry for this variant (Variation ID: 3655313). Invitae Evidence Modeling of protein sequence and biophysical properties (such as structural, functional, and spatial information, amino acid conservation, physicochemical variation, residue mobility, and thermodynamic stability) indicates that this missense variant is not expected to disrupt RNF13 protein function with a negative predictive value of 80%. Algorithms developed to predict the effect of sequence changes on RNA splicing suggest that this variant may disrupt the consensus splice site. In summary, the available evidence is currently insufficient to determine the role of this variant in disease. Therefore, it has been classified as a Variant of Uncertain Significance.